The following is an entry in ClinVar:

NM_000038.6(APC):c.3547T>C (p.Tyr1183His)

Gene: APC (APC regulator of Wnt signaling pathway; plus strand). Cytogenetic location: 5q22.2.
Variant type: single nucleotide variant.
Coding change: c.3547T>C on transcript NM_000038.6 (MANE Select); coding-DNA position 3547, T replaced by C.
Protein change: p.Tyr1183His; replaces tyrosine 1183 with histidine.
Molecular consequence: missense variant.
Genome position (GRCh38, 1-based): chr5:112,839,141, T>C. VCF-style: chr5-112839141-T-C. GRCh37 (hg19) VCF-style: chr5-112174838-T-C.
Other names: c.3547T>C, p.Tyr1183His (NM_001127510.3, NM_001354895.2); c.3493T>C, p.Tyr1165His (NM_001127511.3); c.3601T>C, p.Tyr1201His (NM_001354896.2); c.3577T>C, p.Tyr1193His (NM_001354897.2); c.3472T>C, p.Tyr1158His (NM_001354898.2); c.3463T>C, p.Tyr1155His (NM_001354899.2); c.3424T>C, p.Tyr1142His (NM_001354900.2); c.3370T>C, p.Tyr1124His (NM_001354901.2); and 5 more; short protein forms Y1023H, Y1057H, Y1082H, Y1092H, Y1124H, Y1142H, Y1155H, Y1158H.
Identifiers: ClinVar variation 1332210 (VCV001332210.5), dbSNP rs2149894101, ClinGen allele CA16029127.

ClinVar aggregate classification (germline): Uncertain significance. Review status: criteria provided, multiple submitters, no conflicts (2 of 4 stars). 2 submissions from 2 submitters: Uncertain significance (2). Last evaluated 2024-03-06.

Conditions:
Hereditary cancer-predisposing syndrome. Also called: Tumor predisposition; Hereditary Cancer Syndrome; Neoplastic Syndromes, Hereditary; Hereditary neoplastic syndrome. Identifiers: Orphanet 140162, MedGen C0027672, MeSH D009386, MONDO:0015356.

Submissions (2):

Color Diagnostics, LLC DBA Color Health
Classification: Uncertain significance for Hereditary cancer-predisposing syndrome. Last evaluated: 2024-03-06. Review status: criteria provided, single submitter. Criteria: ACMG Guidelines, 2015. Collection method: clinical testing. Allele origin: germline.
Comment: This missense variant replaces tyrosine with histidine at codon 1183 of the APC protein. Computational prediction suggests that this variant may have deleterious impact on protein structure and function (internally defined REVEL score threshold >= 0.7, PMID: 27666373). To our knowledge, functional studies have not been reported for this variant. This variant has not been reported in individuals affected with hereditary cancer in the literature. This variant has not been identified in the general population by the Genome Aggregation Database (gnomAD). The available evidence is insufficient to determine the role of this variant in disease conclusively. Therefore, this variant is classified as a Variant of Uncertain Significance.

Ambry Genetics
Classification: Uncertain significance for Hereditary cancer-predisposing syndrome. Last evaluated: 2021-11-05. Review status: criteria provided, single submitter. Criteria: Ambry Variant Classification Scheme 2023. Collection method: clinical testing. Allele origin: germline.
Comment: The p.Y1183H variant (also known as c.3547T>C), located in coding exon 15 of the APC gene, results from a T to C substitution at nucleotide position 3547. The tyrosine at codon 1183 is replaced by histidine, an amino acid with similar properties. This amino acid position is highly conserved in available vertebrate species. In addition, in silico predictors for this gene do not accurately predict pathogenicity. Since supporting evidence is limited at this time, the clinical significance of this alteration remains unclear.